The following is an entry in ClinVar:

NM_002519.3(NPAT):c.3317C>T (p.Thr1106Ile)

Gene: NPAT (nuclear protein, coactivator of histone transcription; minus strand). Cytogenetic location: 11q22.3.
Variant type: single nucleotide variant.
Coding change: c.3317C>T on transcript NM_002519.3 (MANE Select); coding-DNA position 3317, C replaced by T.
Protein change: p.Thr1106Ile; replaces threonine 1106 with isoleucine.
Molecular consequence: missense variant.
Genome position (GRCh38, 1-based): chr11:108,161,769, G>A on the plus strand (C>T on the coding strand, the complement: NPAT is on the minus strand). VCF-style: chr11-108161769-G-A. GRCh37 (hg19) VCF-style: chr11-108032496-G-A.
Other names: c.3338C>T, p.Thr1113Ile (NM_001321307.1); short protein forms T1106I, T1113I.
Identifiers: ClinVar variation 2567991 (VCV002567991.2), dbSNP rs2496696509, ClinGen allele CA382511073.

ClinVar aggregate classification (germline): Uncertain significance (1 of 4 stars; one submission).

Allele frequency attached by ClinVar (database versions not stated): gnomAD exomes 0.00001.
gnomAD v4.1: 5 of 1,613,848 alleles (0.00031%); highest among the groups gnomAD compares: Non-Finnish European, 0.00042%; no homozygotes.

Submission:

Ambry Genetics
Classification: Uncertain significance. Last evaluated: 2023-05-06. Review status: criteria provided, single submitter. Criteria: Ambry Variant Classification Scheme 2023. Collection method: clinical testing. Allele origin: germline.
Comment: The p.T1106I variant (also known as c.3317C>T), located in coding exon 17 of the NPAT gene, results from a C to T substitution at nucleotide position 3317. The threonine at codon 1106 is replaced by isoleucine, an amino acid with similar properties. This amino acid position is conserved. In addition, this alteration is predicted to be tolerated by in silico analysis. Since supporting evidence is limited at this time, the clinical significance of this alteration remains unclear.